The following is an entry in ClinVar:

ClinVar aggregate classification (germline): Likely benign. Review status: criteria provided, multiple submitters, no conflicts (2 of 4 stars). 4 submissions from 4 submitters: Likely benign (4). Last evaluated 2025-01-22.

Conditions:
Catecholaminergic polymorphic ventricular tachycardia (CVPT). Also called: Catecholamine-induced polymorphic ventricular tachycardia. Identifiers: Orphanet 3286, MedGen C5574922, MONDO:0017990.
Cardiomyopathy (CMYO). Also called: Cardiomyopathies. Identifiers: Orphanet 167848, MedGen C0878544, MONDO:0004994, HP:0001638. Inheritance: Various modes of inheritance.
Catecholaminergic polymorphic ventricular tachycardia 1. Also called: RYR2-Related Catecholaminergic Polymorphic Ventricular Tachycardia; VENTRICULAR TACHYCARDIA, CATECHOLAMINERGIC POLYMORPHIC, 1, WITH OR WITHOUT ATRIAL DYSFUNCTION AND/OR DILATED CARDIOMYOPATHY; VENTRICULAR TACHYCARDIA, STRESS-INDUCED POLYMORPHIC 1. Identifiers: Orphanet 3286, MedGen C1631597, MONDO:0011484, OMIM 604772.

Allele frequency attached by ClinVar (database versions not stated): gnomAD below 0.00001 and 0.00001; TOPMed 0.00001; gnomAD exomes 0.00003 and 0.00004; ExAC 0.00008.
gnomAD v4.1: 39 of 1,604,540 alleles (0.0024%); highest among the groups gnomAD compares: South Asian, 0.039%; no homozygotes.

Submissions (4):

Labcorp Genetics (formerly Invitae), Labcorp
Classification: Likely benign for Catecholaminergic polymorphic ventricular tachycardia 1. Last evaluated: 2025-01-22. Review status: criteria provided, single submitter. Criteria: Invitae Variant Classification Sherloc (09022015). Collection method: clinical testing. Allele origin: germline.

All of Us Research Program, National Institutes of Health
Classification: Likely benign for Catecholaminergic polymorphic ventricular tachycardia. Last evaluated: 2023-04-03. Review status: criteria provided, single submitter. Criteria: ACMG Guidelines, 2015. Collection method: clinical testing. Allele origin: germline. Inheritance: Autosomal dominant inheritance. Observed: 2 variant alleles, 2 heterozygotes.
Comment: This study involves interpretation of variants in research participants for the purpose of population health screening. Participant phenotype was not available at the time of variant classification. Additional details can be found in publication PMID: 35346344, PMCID: PMC8962531

Blueprint Genetics
Classification: Likely benign. Last evaluated: 2020-04-27. Review status: criteria provided, single submitter. Criteria: ACMG Guidelines, 2015. Collection method: clinical testing. Allele origin: germline.

Color Diagnostics, LLC DBA Color Health
Classification: Likely benign for Cardiomyopathy. Last evaluated: 2018-10-15. Review status: criteria provided, single submitter. Criteria: ACMG Guidelines, 2015. Collection method: clinical testing. Allele origin: germline.

NM_001035.3(RYR2):c.4911-10C>T

Gene: RYR2 (ryanodine receptor 2; plus strand). Cytogenetic location: 1q43.
Variant type: single nucleotide variant.
Coding change: c.4911-10C>T on transcript NM_001035.3 (MANE Select); 10 bases into the intron before coding-DNA position 4911, C replaced by T.
Molecular consequence: intron variant.
Genome position (GRCh38, 1-based): chr1:237,614,029, C>T. VCF-style: chr1-237614029-C-T. GRCh37 (hg19) VCF-style: chr1-237777329-C-T.
Other names: c.4911-10C>T (LRG_402t1).
Identifiers: ClinVar variation 629512 (VCV000629512.13), dbSNP rs762641238, ClinGen allele CA086775.